The following is an entry in ClinVar:

ClinVar aggregate classification (germline): Uncertain significance (1 of 4 stars; one submission).

Submission:

Labcorp Genetics (formerly Invitae), Labcorp
Classification: Uncertain significance. Last evaluated: 2025-06-16. Review status: criteria provided, single submitter. Criteria: Invitae Variant Classification Sherloc (09022015). Collection method: clinical testing. Allele origin: germline.
Comment: This sequence change falls in intron 3 of the AK7 gene. It does not directly change the encoded amino acid sequence of the AK7 protein. This variant is not present in population databases (gnomAD no frequency). This variant has not been reported in the literature in individuals affected with AK7-related conditions. Experimental studies and prediction algorithms are not available or were not evaluated, and the effect of this variant on mRNA splicing is currently unknown. In summary, the available evidence is currently insufficient to determine the role of this variant in disease. Therefore, it has been classified as a Variant of Uncertain Significance.

NM_152327.5(AK7):c.354_403+183dup

Gene: AK7 (adenylate kinase 7; plus strand). Cytogenetic location: 14q32.2.
Variant type: Duplication.
Coding change: c.354_403+183dup on transcript NM_152327.5 (MANE Select); coding-DNA position 354 through 183 bases into the intron after coding-DNA position 403, 233 bases duplicated.
Molecular consequence: splice donor variant.
Genome position (GRCh38, 1-based): chr14:96,404,816-96,405,048, 233 bases duplicated. GRCh37 (hg19): chr14:96,871,153-96,871,385.
Other names: c.354_403+183dup (NM_001350888.2, NM_001350890.2, NM_001350892.2 and 1 more transcripts).
Identifiers: ClinVar variation 4721527 (VCV004721527.1).